The following is an entry in ClinVar:

NM_000551.4(VHL):c.*1680T>C

Genes: VHL (von Hippel-Lindau tumor suppressor; plus strand), LOC107303340 (3p25 von Hippel-Lindau tumor suppressor, E3 ubiquitin protein ligase Alu-mediated recombination region; plus strand). Cytogenetic location: 3p25.3.
Variant type: single nucleotide variant.
Coding change: c.*1680T>C on transcript NM_000551.4 (MANE Select); 1680 bases downstream of the stop codon, T replaced by C.
Molecular consequence: 3 prime UTR variant.
Genome position (GRCh38, 1-based): chr3:10,151,645, T>C. VCF-style: chr3-10151645-T-C. GRCh37 (hg19) VCF-style: chr3-10193329-T-C.
Other names: c.*1876T>C (NM_001354723.2); c.*1680T>C (NM_198156.3).
Identifiers: ClinVar variation 342444 (VCV000342444.5), dbSNP rs561087293, ClinGen allele CA10614408.

ClinVar aggregate classification (germline): Benign (1 of 4 stars; one submission).

Conditions:
Von Hippel-Lindau syndrome (VHLS). Also called: Von Hippel-Lindau; von Hippel–Lindau syndrome; VHL syndrome. Identifiers: Orphanet 892, MedGen C0019562, MONDO:0008667, OMIM 193300. Disease mechanism: loss of function.

Allele frequency attached by ClinVar (database versions not stated): gnomAD 0.00019 and 0.00078; TOPMed 0.00030; gnomAD exomes 0.00073; 1000 Genomes Project 30x 0.00500; 1000 Genomes Project 0.00539.
gnomAD v4.1: 163 of 217,892 alleles (0.075%); highest among the groups gnomAD compares: South Asian, 1.9%; 1 homozygote.

Submission:

Illumina Laboratory Services, Illumina
Classification: Benign for Von Hippel-Lindau syndrome. Last evaluated: 2018-01-13. Review status: criteria provided, single submitter. Criteria: ICSL Variant Classification Criteria 13 December 2019. Collection method: clinical testing. Allele origin: germline.
Comment: This variant was observed in the ICSL laboratory as part of a predisposition screen in an ostensibly healthy population. It had not been previously curated by ICSL or reported in the Human Gene Mutation Database (HGMD: prior to June 1st, 2018), and was therefore a candidate for classification through an automated scoring system. Utilizing variant allele frequency, disease prevalence and penetrance estimates, and inheritance mode, an automated score was calculated to assess if this variant is too frequent to cause the disease. Based on the score and internal cut-off values, a variant classified as benign is not then subjected to further curation. The score for this variant resulted in a classification of benign for this disease.